The following is an entry in ClinVar:

ClinVar aggregate classification (germline): Likely benign. Review status: criteria provided, single submitter (1 of 4 stars). 2 submissions from 2 submitters: Likely benign (1). 1 of the submissions does not count toward it. Last evaluated 2025-06-04.

Conditions:
FANCE-related disorder. Also called: FANCE-related condition.
Fanconi anemia complementation group E (FANCE). Also called: FANCE-Related Fanconi Anemia. Identifiers: Orphanet 84, MedGen C3160739, MONDO:0010953, OMIM 600901.

Allele frequency attached by ClinVar (database versions not stated): ExAC 0.00001; gnomAD 0.00001; gnomAD exomes 0.00001 and 0.00002; TOPMed 0.00002.

Submissions (2):

Labcorp Genetics (formerly Invitae), Labcorp
Classification: Likely benign for Fanconi anemia complementation group E. Last evaluated: 2025-06-04. Review status: criteria provided, single submitter. Criteria: Invitae Variant Classification Sherloc (09022015). Collection method: clinical testing. Allele origin: germline.

PreventionGenetics, part of Exact Sciences
Classification: Likely benign for FANCE-related condition. Last evaluated: 2023-01-26. Review status: no assertion criteria provided. Collection method: clinical testing. Allele origin: germline. Not counted in ClinVar's aggregate classification.
Comment: This variant is classified as likely benign based on ACMG/AMP sequence variant interpretation guidelines (Richards et al. 2015 PMID: 25741868, with internal and published modifications).

NM_021922.3(FANCE):c.951C>T (p.His317=)

Gene: FANCE (FA complementation group E; plus strand). Cytogenetic location: 6p21.31.
Variant type: single nucleotide variant.
Coding change: c.951C>T on transcript NM_021922.3 (MANE Select); coding-DNA position 951, C replaced by T.
Protein change: p.His317=; no amino-acid change (histidine 317 retained).
Molecular consequence: synonymous variant.
Genome position (GRCh38, 1-based): chr6:35,457,966, C>T. VCF-style: chr6-35457966-C-T. GRCh37 (hg19) VCF-style: chr6-35425743-C-T.
Other names: c.951C>T (NM_021922.2).
Identifiers: ClinVar variation 1105908 (VCV001105908.11), dbSNP rs753841588, ClinGen allele CA3771542.
Genomic context (GRCh38, chr6:35,457,966, plus strand): 5'-GTCTCCCCAGGGGTTAGAGGGATTGGAGGATGCCCCCCCAGTTGAGCTACAGCTTCTTCA[C>T]GAATGTAGTCCCAGCCAGGTGAGTCCAGATGACTGCCTGGCTCTGAGGTTACATTCTCTG-3'
Protein context (NP_068741.1, residues 307-327): DAPPVELQLL[His317=]ECSPSQMDLL